The following is an entry in ClinVar:

ClinVar aggregate classification (germline): Uncertain significance (1 of 4 stars; one submission).

Conditions:
Malignant hyperthermia, susceptibility to, 1 (MHS1). Also called: Anesthesia related hyperthermia; Malignant hyperpyrexia; Fulminating hyperpyrexia; Pharmacogenic myopathy; Malignant hyperthermia suceptibility 1; RYR1-Related Malignant Hyperthermia Susceptibility. Identifiers: Orphanet 423, MedGen C2930980, MONDO:0007783, OMIM 145600.

Submission:

All of Us Research Program, National Institutes of Health
Classification: Uncertain significance for Malignant hyperthermia, susceptibility to, 1. Last evaluated: 2024-03-05. Review status: criteria provided, single submitter. Criteria: ACMG Guidelines, 2015. Collection method: clinical testing. Allele origin: germline. Inheritance: Autosomal dominant inheritance. Observed: 1 variant allele, 1 heterozygote.
Comment: This study involves interpretation of variants in research participants for the purpose of population health screening. Participant phenotype was not available at the time of variant classification. Additional details can be found in publication PMID: 35346344, PMCID: PMC8962531

NM_000540.3(RYR1):c.6801G>T (p.Met2267Ile)

Gene: RYR1 (ryanodine receptor 1; plus strand). Cytogenetic location: 19q13.2.
Variant type: single nucleotide variant.
Coding change: c.6801G>T on transcript NM_000540.3 (MANE Select); coding-DNA position 6801, G replaced by T.
Protein change: p.Met2267Ile; replaces methionine 2267 with isoleucine.
Molecular consequence: missense variant.
Genome position (GRCh38, 1-based): chr19:38,496,864, G>T. VCF-style: chr19-38496864-G-T. GRCh37 (hg19) VCF-style: chr19-38987504-G-T.
Other names: c.6801G>T, p.Met2267Ile (NM_001042723.2); short protein forms M2267I.
Identifiers: ClinVar variation 3385435 (VCV003385435.1).